The following is an entry in ClinVar:

ClinVar aggregate classification (germline): Pathogenic (1 of 4 stars; one submission).

Submission:

Labcorp Genetics (formerly Invitae), Labcorp
Classification: Pathogenic. Last evaluated: 2023-12-21. Review status: criteria provided, single submitter. Criteria: Invitae Variant Classification Sherloc (09022015). Collection method: clinical testing. Allele origin: germline.
Comment: This sequence change creates a premature translational stop signal (p.Asn814Lysfs*3) in the ADAMTSL4 gene. It is expected to result in an absent or disrupted protein product. Loss-of-function variants in ADAMTSL4 are known to be pathogenic (PMID: 20564469, 28642162). This variant is present in population databases (rs773569215, gnomAD 0.007%). This variant has not been reported in the literature in individuals affected with ADAMTSL4-related conditions. For these reasons, this variant has been classified as Pathogenic.

Literature cited by the submitters: PubMed 20564469; PubMed 28642162.

NM_019032.6(ADAMTSL4):c.2441dup (p.Asn814fs)

Gene: ADAMTSL4 (ADAMTS like 4; plus strand). Cytogenetic location: 1q21.2.
Variant type: Duplication.
Coding change: c.2441dup on transcript NM_019032.6 (MANE Select); coding-DNA position 2441, one base duplicated (A; older notation c.2441dupA).
Protein change: p.Asn814fs; shifts the reading frame from asparagine 814.
Molecular consequence: frameshift variant.
Genome position (GRCh38, 1-based): chr1:150,558,531, A duplicated; the last of 2 consecutive A bases (chr1:150,558,530-150,558,531); duplicating either gives the same sequence. VCF-style (leftmost placement, unchanged base first): chr1-150558529-C-CA. GRCh37 (hg19) VCF-style: chr1-150531005-C-CA.
Other names: c.2324dup, p.Asn775fs (NM_001288607.2); c.2510dup, p.Asn837fs (NM_001288608.2); c.2441dup, p.Asn814fs (NM_001378596.1, NM_025008.5); short protein forms N775fs, N814fs, N837fs.
Identifiers: ClinVar variation 2873963 (VCV002873963.3), dbSNP rs773569215, ClinGen allele CA1078677.